The following is an entry in ClinVar:

NM_002691.4(POLD1):c.1495-2A>G

Gene: POLD1 (DNA polymerase delta 1, catalytic subunit; plus strand). Cytogenetic location: 19q13.33.
Variant type: single nucleotide variant.
Coding change: c.1495-2A>G on transcript NM_002691.4 (MANE Select); the canonical splice acceptor site of the intron before coding-DNA position 1495, A replaced by G.
Molecular consequence: splice acceptor variant.
Genome position (GRCh38, 1-based): chr19:50,406,981, A>G. VCF-style: chr19-50406981-A-G. GRCh37 (hg19) VCF-style: chr19-50910238-A-G.
Other names: c.1495-2A>G (NM_001256849.1, NM_001308632.1).
Identifiers: ClinVar variation 664011 (VCV000664011.9), dbSNP rs1601218857, ClinGen allele CA406980734.

ClinVar aggregate classification (germline): Uncertain significance (1 of 4 stars; one submission).

Conditions:
POLD1-related polyposis and colorectal cancer syndrome (CRCS10). Also called: Colorectal cancer, susceptibility to, 10; Colorectal cancer 10; COLORECTAL CANCER, SUSCEPTIBILITY TO, ON CHROMOSOME 19q. Identifiers: Orphanet 220460, MedGen C2675481, MONDO:0012953, OMIM 612591.

Submission:

Labcorp Genetics (formerly Invitae), Labcorp
Classification: Uncertain significance for POLD1-related polyposis and colorectal cancer syndrome. Last evaluated: 2024-11-26. Review status: criteria provided, single submitter. Criteria: Invitae Variant Classification Sherloc (09022015). Collection method: clinical testing. Allele origin: germline.
Comment: This sequence change affects an acceptor splice site in intron 12 of the POLD1 gene. Missense variants that disrupt the 3'-5' exonuclease (proof-reading) activity of the POLD1 protein are associated with PPAP (polymerase proofreading–associated polyposis) (PMID: 23263490, 23447401). However, loss-of-function variants that result in an absent or severely disrupted POLD1 protein, and missense variants outside the exonuclease domain, are unlikely to be associated with PPAP. This variant is not present in population databases (gnomAD no frequency). This variant has not been reported in the literature in individuals affected with POLD1-related conditions. ClinVar contains an entry for this variant (Variation ID: 664011). Algorithms developed to predict the effect of sequence changes on RNA splicing suggest that this variant may disrupt the consensus splice site. In summary, the available evidence is currently insufficient to determine the role of this variant in disease. Therefore, it has been classified as a Variant of Uncertain Significance.

Literature cited by the submitters: PubMed 23263490; PubMed 23447401.